The following is an entry in ClinVar:

ClinVar aggregate classification (germline): Uncertain significance (1 of 4 stars; one submission).

Conditions:
TTC21B-related disorder. Also called: TTC21B-related disorders; TTC21B-related condition.

gnomAD v4.1: 15 of 1,612,330 alleles (0.00093%); highest among the groups gnomAD compares: Non-Finnish European, 0.0012%; no homozygotes.

Submission:

PreventionGenetics, part of Exact Sciences
Classification: Uncertain significance for TTC21B-related condition. Last evaluated: 2026-05-26. Review status: criteria provided, single submitter. Criteria: ACMG Guidelines, 2015. Collection method: clinical testing. Allele origin: germline.
Comment: The TTC21B c.1076C>G variant is predicted to result in the amino acid substitution p.Ser359Cys. To our knowledge, this variant has not been reported in the literature or in a large population database (gnomAD), indicating this variant is rare. At this time, the clinical significance of this variant is uncertain due to the absence of conclusive functional and genetic evidence.

NM_024753.5(TTC21B):c.1076C>G (p.Ser359Cys)

Gene: TTC21B (tetratricopeptide repeat domain 21B; minus strand). Cytogenetic location: 2q24.3.
Variant type: single nucleotide variant.
Coding change: c.1076C>G on transcript NM_024753.5 (MANE Select); coding-DNA position 1076, C replaced by G.
Protein change: p.Ser359Cys; replaces serine 359 with cysteine.
Molecular consequence: missense variant.
Genome position (GRCh38, 1-based): chr2:165,930,183, G>C on the plus strand (C>G on the coding strand, the complement: TTC21B is on the minus strand). VCF-style: chr2-165930183-G-C. GRCh37 (hg19) VCF-style: chr2-166786693-G-C.
Other names: short protein forms S359C.
Identifiers: ClinVar variation 4990589 (VCV004990589.1).